The following is an entry in ClinVar:

ClinVar aggregate classification (germline): Uncertain significance (1 of 4 stars; one submission).

Conditions:
Deficiency of ferroxidase (ACEP). Also called: NEURODEGENERATION WITH BRAIN IRON ACCUMULATION 10; Ceruloplasmin deficiency; Familial apoceruloplasmin deficiency; Hereditary ceruloplasmin deficiency; Deficiency of ceruloplasmin; Aceruloplasminemia. Identifiers: Orphanet 48818, MedGen C0878682, MONDO:0011426, OMIM 604290, HP:0025498.

Submission:

Labcorp Genetics (formerly Invitae), Labcorp
Classification: Uncertain significance for Deficiency of ferroxidase. Last evaluated: 2021-03-10. Review status: criteria provided, single submitter. Criteria: Invitae Variant Classification Sherloc (09022015). Collection method: clinical testing. Allele origin: germline.
Comment: Advanced modeling of protein sequence and biophysical properties (such as structural, functional, and spatial information, amino acid conservation, physicochemical variation, residue mobility, and thermodynamic stability) performed at Invitae indicates that this missense variant is expected to disrupt CP protein function. In summary, the available evidence is currently insufficient to determine the role of this variant in disease. Therefore, it has been classified as a Variant of Uncertain Significance. This variant has not been reported in the literature in individuals with CP-related conditions. This sequence change replaces aspartic acid with tyrosine at codon 654 of the CP protein (p.Asp654Tyr). The aspartic acid residue is highly conserved and there is a large physicochemical difference between aspartic acid and tyrosine. This variant is not present in population databases (ExAC no frequency).

NM_000096.4(CP):c.1960G>T (p.Asp654Tyr)

Gene: CP (ceruloplasmin; minus strand). Cytogenetic location: 3q24.
Variant type: single nucleotide variant.
Coding change: c.1960G>T on transcript NM_000096.4 (MANE Select); coding-DNA position 1960, G replaced by T.
Protein change: p.Asp654Tyr; replaces aspartic acid 654 with tyrosine.
Molecular consequence: missense variant.
Genome position (GRCh38, 1-based): chr3:149,186,637, C>A on the plus strand (G>T on the coding strand, the complement: CP is on the minus strand). VCF-style: chr3-149186637-C-A. GRCh37 (hg19) VCF-style: chr3-148904424-C-A.
Other names: short protein forms D654Y.
Identifiers: ClinVar variation 1402796 (VCV001402796.8), dbSNP rs755243937, ClinGen allele CA354932514.